The following is an entry in ClinVar:

ClinVar aggregate classification (germline): Likely benign. Review status: criteria provided, multiple submitters, no conflicts (2 of 4 stars). 4 submissions from 4 submitters: Likely benign (3). 1 of the submissions does not count toward it. Last evaluated 2026-01-28.

Conditions:
AP3B1-related disorder. Also called: AP3B1-related condition.
Hermansky-Pudlak syndrome 2 (HPS2). Also called: Platelet defects and oculocutaneous albinism. Identifiers: Orphanet 183678, Orphanet 79430, MedGen C1842362, MONDO:0011997, OMIM 608233.

Allele frequency attached by ClinVar (database versions not stated): gnomAD exomes 0.00003 and 0.00008; gnomAD 0.00007 and 0.00008; TOPMed 0.00011; ExAC 0.00015; ESP Exome Variant Server 0.00031.
gnomAD v4.1: 50 of 1,551,026 alleles (0.0032%); highest among the groups gnomAD compares: African/African-American, 0.012%; no homozygotes.

Submissions (4):

Labcorp Genetics (formerly Invitae), Labcorp
Classification: Likely benign for Hermansky-Pudlak syndrome 2. Last evaluated: 2026-01-28. Review status: criteria provided, single submitter. Criteria: Invitae Variant Classification Sherloc (09022015). Collection method: clinical testing. Allele origin: germline.

Women's Health and Genetics/Laboratory Corporation of America, LabCorp
Classification: Likely benign. Last evaluated: 2024-12-03. Review status: criteria provided, single submitter. Criteria: LabCorp Variant Classification Summary - May 2015. Collection method: clinical testing. Allele origin: germline.

Blueprint Genetics
Classification: Likely benign. Last evaluated: 2024-11-08. Review status: criteria provided, single submitter. Criteria: ACMG Guidelines, 2015. Collection method: clinical testing. Allele origin: germline.

PreventionGenetics, part of Exact Sciences
Classification: Likely benign for AP3B1-related condition. Last evaluated: 2020-11-30. Review status: no assertion criteria provided. Collection method: clinical testing. Allele origin: germline. Not counted in ClinVar's aggregate classification.
Comment: This variant is classified as likely benign based on ACMG/AMP sequence variant interpretation guidelines (Richards et al. 2015 PMID: 25741868, with internal and published modifications).

NM_003664.5(AP3B1):c.2424T>C (p.Asp808=)

Gene: AP3B1 (adaptor related protein complex 3 subunit beta 1; minus strand). Cytogenetic location: 5q14.1.
Variant type: single nucleotide variant.
Coding change: c.2424T>C on transcript NM_003664.5 (MANE Select); coding-DNA position 2424, T replaced by C.
Protein change: p.Asp808=; no amino-acid change (aspartic acid 808 retained).
Molecular consequence: synonymous variant.
Genome position (GRCh38, 1-based): chr5:78,100,999, A>G on the plus strand (T>C on the coding strand, the complement: AP3B1 is on the minus strand). VCF-style: chr5-78100999-A-G. GRCh37 (hg19) VCF-style: chr5-77396823-A-G.
Other names: c.2277T>C, p.Asp759= (NM_001271769.2).
Identifiers: ClinVar variation 737952 (VCV000737952.13), dbSNP rs144240072, ClinGen allele CA3316775.